The following is an entry in ClinVar:

NM_198437.3(AURKA):c.91T>A (p.Phe31Ile)

Genes: AURKA (aurora kinase A; minus strand), LOC126863064 (BRD4-independent group 4 enhancer GRCh37_chr20:54961142-54962341; plus strand). Cytogenetic location: 20q13.2.
Variant type: single nucleotide variant.
Coding change: c.91T>A on transcript NM_198437.3 (MANE Select); coding-DNA position 91, T replaced by A.
Protein change: p.Phe31Ile; replaces phenylalanine 31 with isoleucine.
Molecular consequence: missense variant.
Genome position (GRCh38, 1-based): chr20:56,386,485, A>T on the plus strand (T>A on the coding strand, the complement: AURKA is on the minus strand). VCF-style: chr20-56386485-A-T. GRCh37 (hg19) VCF-style: chr20-54961541-A-T.
Other names: c.91T>A, p.Phe31Ile (NM_001323303.2, NM_001323304.2, NM_001323305.2 and 5 more transcripts); c.91T>A (NM_198433.2); short protein forms F31I.
Identifiers: ClinVar variation 6642 (VCV000006642.7), dbSNP rs2273535, ClinGen allele CA118383.

ClinVar aggregate classification (germline): Benign. Review status: criteria provided, multiple submitters, no conflicts (2 of 4 stars). 4 submissions from 4 submitters: Benign (2). 2 of the submissions do not count toward it. Last evaluated 2020-07-28.

Conditions:
AURKA-related disorder. Also called: AURKA-related condition.
Colon cancer, susceptibility to. Identifiers: MedGen C4016820.

Allele frequency attached by ClinVar (database versions not stated): 1000 Genomes Project 0.30970; gnomAD 0.23195; gnomAD exomes 0.27755; TOPMed 0.22216; ExAC 0.27345; 1000 Genomes Project 30x 0.29841.
gnomAD v4.1: 379,568 of 1,613,914 alleles (24%); highest among the groups gnomAD compares: East Asian, 67%; 50,544 homozygotes.

Submissions (4):

GeneDx
Classification: Benign. Last evaluated: 2020-07-28. Review status: criteria provided, single submitter. Criteria: GeneDx Variant Classification Process June 2021. Collection method: clinical testing. Allele origin: germline. Affected: yes.
Comment: This variant is associated with the following publications: (PMID: 23803310, 21412660, 22213102, 15867347, 15271856, 21198377, 20002563, 17219423, 17898866, 24349361, 15087379, 28903390, 25697104)

Breakthrough Genomics
Classification: Benign. Review status: criteria provided, single submitter. Criteria: ACMG Guidelines, 2015. Collection method: not provided. Allele origin: germline. Inheritance: Autosomal dominant inheritance. Affected: yes.

PreventionGenetics, part of Exact Sciences
Classification: Benign for AURKA-related condition. Last evaluated: 2019-10-17. Review status: no assertion criteria provided. Collection method: clinical testing. Allele origin: germline. Not counted in ClinVar's aggregate classification.
Comment: This variant is classified as benign based on ACMG/AMP sequence variant interpretation guidelines (Richards et al. 2015 PMID: 25741868, with internal and published modifications).

OMIM
Classification: risk factor for COLON CANCER, SUSCEPTIBILITY TO. Last evaluated: 2003-08-01. Review status: no assertion criteria provided. Collection method: literature only. Allele origin: germline. Not counted in ClinVar's aggregate classification.

Literature cited by the submitters: PubMed 12881723 (cited by OMIM); PubMed 10511710 (cited by OMIM); PubMed 9771714 (cited by OMIM); PubMed 37481721 (cited by OMIM).